The following is an entry in ClinVar:

NM_018297.4(NGLY1):c.1426-1G>A

Gene: NGLY1 (N-glycanase 1; minus strand). Cytogenetic location: 3p24.2.
Variant type: single nucleotide variant.
Coding change: c.1426-1G>A on transcript NM_018297.4 (MANE Select); the canonical splice acceptor site of the intron before coding-DNA position 1426, G replaced by A.
Molecular consequence: splice acceptor variant.
Genome position (GRCh38, 1-based): chr3:25,729,319, C>T on the plus strand (G>A on the coding strand, the complement: NGLY1 is on the minus strand). VCF-style: chr3-25729319-C-T. GRCh37 (hg19) VCF-style: chr3-25770810-C-T.
Other names: c.1300-1G>A (NM_001145294.2); c.1426-1G>A (NM_001145295.2); c.1372-1G>A (NM_001145293.2).
Identifiers: ClinVar variation 1066126 (VCV001066126.5), dbSNP rs2125460077, ClinGen allele CA351897345.

ClinVar aggregate classification (germline): Likely pathogenic (1 of 4 stars; one submission).

Conditions:
Congenital disorder of deglycosylation (CDDG). Identifiers: MedGen C3808991, MONDO:0031376.

Submission:

Labcorp Genetics (formerly Invitae), Labcorp
Classification: Likely pathogenic for Congenital disorder of deglycosylation. Last evaluated: 2022-10-17. Review status: criteria provided, single submitter. Criteria: Invitae Variant Classification Sherloc (09022015). Collection method: clinical testing. Allele origin: germline.
Comment: ClinVar contains an entry for this variant (Variation ID: 1066126). This variant has not been reported in the literature in individuals affected with NGLY1-related conditions. This variant is not present in population databases (gnomAD no frequency). This sequence change affects an acceptor splice site in intron 9 of the NGLY1 gene. It is expected to disrupt RNA splicing. Variants that disrupt the donor or acceptor splice site typically lead to a loss of protein function (PMID: 16199547), and loss-of-function variants in NGLY1 are known to be pathogenic (PMID: 24651605). Algorithms developed to predict the effect of sequence changes on RNA splicing suggest that this variant may disrupt the consensus splice site. In summary, the currently available evidence indicates that the variant is pathogenic, but additional data are needed to prove that conclusively. Therefore, this variant has been classified as Likely Pathogenic.

Literature cited by the submitters: PubMed 16199547; PubMed 24651605.